The following is an entry in ClinVar:

NM_004100.5(EYA4):c.1760G>C (p.Arg587Pro)

Genes: EYA4 (EYA transcriptional coactivator and phosphatase 4; plus strand), TARID (TCF21 antisense RNA inducing promoter demethylation; minus strand). Cytogenetic location: 6q23.2.
Variant type: single nucleotide variant.
Coding change: c.1760G>C on transcript NM_004100.5 (MANE Select); coding-DNA position 1760, G replaced by C.
Protein change: p.Arg587Pro; replaces arginine 587 with proline.
Molecular consequence: missense variant. On other transcripts: intron variant (3).
Genome position (GRCh38, 1-based): chr6:133,525,175, G>C. VCF-style: chr6-133525175-G-C. GRCh37 (hg19) VCF-style: chr6-133846313-G-C.
Other names: c.1778G>C, p.Arg593Pro (NM_001301013.2); c.1616G>C, p.Arg539Pro (NM_001370459.1); c.1691G>C, p.Arg564Pro (NM_172103.4); c.1839+60G>C (NM_172105.4); c.1770+60G>C (NM_001370458.1); c.1677+60G>C (NM_001301012.2); short protein forms R539P, R564P, R593P, R587P.
Identifiers: ClinVar variation 842528 (VCV000842528.15), dbSNP rs746014018, ClinGen allele CA365700543.

ClinVar aggregate classification (germline): Uncertain significance. Review status: criteria provided, multiple submitters, no conflicts (2 of 4 stars). 2 submissions from 2 submitters: Uncertain significance (2). Last evaluated 2025-12-24.

Conditions:
Dilated cardiomyopathy 1J (CMD1J). Also called: CARDIOMYOPATHY, DILATED, WITH SENSORINEURAL HEARING LOSS, AUTOSOMAL DOMINANT. Identifiers: Orphanet 217622, MedGen C1854368, MONDO:0011541, OMIM 605362.

gnomAD v4.1: 4 of 1,613,734 alleles (0.00025%); highest among the groups gnomAD compares: Non-Finnish European, 0.00034%; no homozygotes.

Submissions (2):

Labcorp Genetics (formerly Invitae), Labcorp
Classification: Uncertain significance for Dilated cardiomyopathy 1J. Last evaluated: 2025-12-24. Review status: criteria provided, single submitter. Criteria: Invitae Variant Classification Sherloc (09022015). Collection method: clinical testing. Allele origin: germline.
Comment: This sequence change replaces arginine, which is basic and polar, with proline, which is neutral and non-polar, at codon 587 of the EYA4 protein (p.Arg587Pro). This variant is not present in population databases (gnomAD no frequency). This variant has not been reported in the literature in individuals affected with EYA4-related conditions. ClinVar contains an entry for this variant (Variation ID: 842528). Invitae Evidence Modeling of protein sequence and biophysical properties (such as structural, functional, and spatial information, amino acid conservation, physicochemical variation, residue mobility, and thermodynamic stability) indicates that this missense variant is expected to disrupt EYA4 protein function with a positive predictive value of 80%. In summary, the available evidence is currently insufficient to determine the role of this variant in disease. Therefore, it has been classified as a Variant of Uncertain Significance.

CeGaT Center for Human Genetics Tuebingen
Classification: Uncertain significance. Last evaluated: 2025-11-01. Review status: criteria provided, single submitter. Criteria: CeGaT Center For Human Genetics Tuebingen Variant Classification Criteria Version 2. Collection method: clinical testing. Allele origin: germline. Affected: yes. Observed: 1 variant allele.
Comment: EYA4: PM2:Supporting, PP3